The following is an entry in ClinVar:

NM_000426.4(LAMA2):c.2749+2dup

Gene: LAMA2 (laminin subunit alpha 2; plus strand). Cytogenetic location: 6q22.33.
Variant type: Duplication.
Coding change: c.2749+2dup on transcript NM_000426.4 (MANE Select); the canonical splice donor site of the intron after coding-DNA position 2749, one base duplicated (T; older notation c.2749+2dupT).
Molecular consequence: splice donor variant.
Genome position (GRCh38, 1-based): chr6:129,288,060, T duplicated. VCF-style (leftmost placement, unchanged base first): chr6-129288059-G-GT. GRCh37 (hg19) VCF-style: chr6-129609204-G-GT.
Other names: c.2749+2_2749+3insT (NM_000426.3); c.2749+2dupT (NM_000426.3); c.2749+2dup (NM_001079823.2).
Identifiers: ClinVar variation 552807 (VCV000552807.15), dbSNP rs759144210, ClinGen allele CA3993041.
Genomic context (GRCh38, chr6:129,288,059, plus strand): 5'-ACTGTGAGCTCTGTGCTGATGGATATTTTGGAGATGCAGTTGATGCGAAGAACTGTCAGC[G>GT]TAAGTCCTGAACTATTGATGCCCCTGACAGAATTGATGTATTGTACCTCAAAGTAGCTGA-3'

ClinVar aggregate classification (germline): Pathogenic/Likely pathogenic. Review status: criteria provided, multiple submitters, no conflicts (2 of 4 stars). 5 submissions from 5 submitters: Pathogenic (3); Likely pathogenic (1). 1 of the submissions does not count toward it. Last evaluated 2025-03-19.

Conditions:
LAMA2-related muscular dystrophy (LAMA2-RD). Also called: Laminin alpha 2-related dystrophy. Identifiers: MedGen C5679788, MONDO:0100228.
Merosin deficient congenital muscular dystrophy (MDC1A). Also called: Congenital Muscular Dystrophy Type 1A (MDC1A); Congenital merosin-deficient muscular dystrophy 1A. Identifiers: Orphanet 258, MedGen C1263858, MONDO:0011925, OMIM 607855.

Allele frequency attached by ClinVar (database versions not stated): gnomAD exomes below 0.00001; ExAC 0.00001; gnomAD 0.00001; TOPMed 0.00002.

Submissions (5):

GeneDx
Classification: Pathogenic. Last evaluated: 2025-03-19. Review status: criteria provided, single submitter. Criteria: GeneDx Variant Classification Process June 2021. Collection method: clinical testing. Allele origin: germline. Affected: yes.
Comment: Canonical splice site variant predicted to result in a null allele in a gene for which loss of function is a known mechanism of disease; Not observed at significant frequency in large population cohorts (gnomAD); This variant is associated with the following publications: (PMID: 31066047, 38962616, 34281576, 36860576, 32528171, 38984033, 32509318)

Myriad Genetics, Inc.
Classification: Likely pathogenic for LAMA2-related muscular dystrophy. Last evaluated: 2025-01-24. Review status: criteria provided, single submitter. Criteria: Myriad Autosomal Dominant, Autosomal Recessive and X-Linked Classification Criteria (2023). Collection method: clinical testing. Allele origin: unknown.
Comment: NM_000426.3(LAMA2):c.2749+2dupT is a variant in a canonical splice site classified as likely pathogenic in the context of muscular dystrophy, LAMA2-related. c.2749+2dupT has been observed in cases with relevant disease (PMID: 32904964, 32509318, 36860576, 38984033). Relevant functional assessments of this variant are not available in the literature. c.2749+2dupT has been observed in referenced population frequency databases. In summary, NM_000426.3(LAMA2):c.2749+2dupT is a variant in a canonical splice site that has been observed more frequently in cases with the relevant disease than in healthy populations. Please note: this variant was assessed in the context of healthy population screening.

Labcorp Genetics (formerly Invitae), Labcorp
Classification: Pathogenic for LAMA2-related muscular dystrophy. Last evaluated: 2024-01-29. Review status: criteria provided, single submitter. Criteria: Invitae Variant Classification Sherloc (09022015). Collection method: clinical testing. Allele origin: germline.
Comment: This sequence change falls in intron 19 of the LAMA2 gene. It does not directly change the encoded amino acid sequence of the LAMA2 protein. It affects a nucleotide within the consensus splice site. This variant is present in population databases (rs759144210, gnomAD 0.007%). This variant has been observed in individual(s) with clinical features of LAMA2-related conditions (PMID: 32509318, 32528171, 36860576; Invitae). In at least one individual the data is consistent with being in trans (on the opposite chromosome) from a pathogenic variant. ClinVar contains an entry for this variant (Variation ID: 552807). Variants that disrupt the consensus splice site are a relatively common cause of aberrant splicing (PMID: 17576681, 9536098). Algorithms developed to predict the effect of sequence changes on RNA splicing suggest that this variant may disrupt the consensus splice site. For these reasons, this variant has been classified as Pathogenic.

Baylor Genetics
Classification: Pathogenic for Merosin deficient congenital muscular dystrophy. Last evaluated: 2022-12-21. Review status: criteria provided, single submitter. Criteria: ACMG Guidelines, 2015. Collection method: clinical testing. Allele origin: unknown.

Counsyl
Classification: Uncertain significance for Merosin deficient congenital muscular dystrophy. Last evaluated: 2017-07-07. Review status: no assertion criteria provided. Collection method: clinical testing. Allele origin: unknown. Not counted in ClinVar's aggregate classification.

Literature cited by the submitters: PubMed 32509318 (cited by Myriad Genetics, Inc. and Labcorp Genetics (formerly Invitae), Labcorp); PubMed 32904964 (cited by Myriad Genetics, Inc.); PubMed 36860576 (cited by Myriad Genetics, Inc. and Labcorp Genetics (formerly Invitae), Labcorp); PubMed 38984033 (cited by Myriad Genetics, Inc.); PubMed 32528171 (cited by Labcorp Genetics (formerly Invitae), Labcorp); PubMed 17576681 (cited by Labcorp Genetics (formerly Invitae), Labcorp); PubMed 9536098 (cited by Labcorp Genetics (formerly Invitae), Labcorp).